The following is an entry in ClinVar:

ClinVar aggregate classification (germline): Pathogenic (1 of 4 stars; one submission).

Conditions:
Bardet-Biedl syndrome (BBS). Identifiers: Orphanet 110, MedGen C0752166, MONDO:0015229.

Submission:

Labcorp Genetics (formerly Invitae), Labcorp
Classification: Pathogenic for Bardet-Biedl syndrome. Last evaluated: 2018-08-16. Review status: criteria provided, single submitter. Criteria: Invitae Variant Classification Sherloc (09022015). Collection method: clinical testing. Allele origin: germline.
Comment: A gross deletion of the genomic region encompassing the full coding sequence of the TRIM32 gene has been identified. The boundaries of this event are unknown as the deletion extends beyond the assayed region for this gene and therefore may encompass additional genes. This variant has been reported in the literature in individuals affected with limb girdle muscular dystrophy (PMID: 25351777, 23541687). Loss-of-function variants in TRIM32 are known to be pathogenic (PMID: 23541687). For these reasons, this variant has been classified as Pathogenic.

Literature cited by the submitters: PubMed 25351777; PubMed 23541687.

NC_000009.12:g.(?_116697723)_(116699724_?)del

Genes: ASTN2 (astrotactin 2; minus strand), TRIM32 (tripartite motif containing 32; plus strand). Cytogenetic location: 9q33.1.
Variant type: Deletion.
Identifiers: ClinVar variation 462941 (VCV000462941.2).